The following is an entry in ClinVar:

ClinVar aggregate classification (germline): Uncertain significance. Review status: criteria provided, multiple submitters, no conflicts (2 of 4 stars). 2 submissions from 2 submitters: Uncertain significance (2). Last evaluated 2025-09-28.

Conditions:
Inborn genetic diseases. Identifiers: MedGen C0950123, MeSH D030342.

Allele frequency attached by ClinVar (database versions not stated): ExAC 0.00003; gnomAD 0.00003 and 0.00002; 1000 Genomes Project 0.00020; gnomAD exomes 0.00003; 1000 Genomes Project 30x 0.00031.
gnomAD v4.1: 67 of 1,613,272 alleles (0.0042%); highest among the groups gnomAD compares: Non-Finnish European, 0.0053%; no homozygotes.

Submissions (2):

Ambry Genetics
Classification: Uncertain significance for Inborn genetic diseases. Last evaluated: 2025-09-28. Review status: criteria provided, single submitter. Criteria: Ambry Variant Classification Scheme 2023. Collection method: clinical testing. Allele origin: germline.

Labcorp Genetics (formerly Invitae), Labcorp
Classification: Uncertain significance. Last evaluated: 2023-12-19. Review status: criteria provided, single submitter. Criteria: Invitae Variant Classification Sherloc (09022015). Collection method: clinical testing. Allele origin: germline.
Comment: This sequence change replaces arginine, which is basic and polar, with tryptophan, which is neutral and slightly polar, at codon 1633 of the OBSL1 protein (p.Arg1633Trp). This variant is present in population databases (rs191093745, gnomAD 0.006%). This variant has not been reported in the literature in individuals affected with OBSL1-related conditions. ClinVar contains an entry for this variant (Variation ID: 1370093). Algorithms developed to predict the effect of missense changes on protein structure and function output the following: SIFT: "Not Available"; PolyPhen-2: "Benign"; Align-GVGD: "Not Available". The tryptophan amino acid residue is found in multiple mammalian species, which suggests that this missense change does not adversely affect protein function. In summary, the available evidence is currently insufficient to determine the role of this variant in disease. Therefore, it has been classified as a Variant of Uncertain Significance.

NM_015311.3(OBSL1):c.4897C>T (p.Arg1633Trp)

Gene: OBSL1 (obscurin like cytoskeletal adaptor 1; minus strand). Cytogenetic location: 2q35.
Variant type: single nucleotide variant.
Coding change: c.4897C>T on transcript NM_015311.3 (MANE Select); coding-DNA position 4897, C replaced by T.
Protein change: p.Arg1633Trp; replaces arginine 1633 with tryptophan.
Molecular consequence: missense variant.
Genome position (GRCh38, 1-based): chr2:219,553,666, G>A on the plus strand (C>T on the coding strand, the complement: OBSL1 is on the minus strand). VCF-style: chr2-219553666-G-A. GRCh37 (hg19) VCF-style: chr2-220418388-G-A.
Other names: c.4897C>T (NM_015311.2); short protein forms R1633W.
Identifiers: ClinVar variation 1370093 (VCV001370093.8), dbSNP rs191093745, ClinGen allele CA2130387.